The following is an entry in ClinVar:

ClinVar aggregate classification (germline): Likely benign (0 of 4 stars; one submission).

Conditions:
MYT1L-related disorder. Also called: MYT1L-related condition.

gnomAD v4.1: 23 of 1,613,500 alleles (0.0014%); highest among the groups gnomAD compares: Admixed American, 0.013%; no homozygotes.

Submission:

PreventionGenetics, part of Exact Sciences
Classification: Likely benign for MYT1L-related condition. Last evaluated: 2019-08-01. Review status: no assertion criteria provided. Collection method: clinical testing. Allele origin: germline.
Comment: This variant is classified as likely benign based on ACMG/AMP sequence variant interpretation guidelines (Richards et al. 2015 PMID: 25741868, with internal and published modifications).

NM_001303052.2(MYT1L):c.576C>T (p.Asp192=)

Gene: MYT1L (myelin transcription factor 1 like; minus strand). Cytogenetic location: 2p25.3.
Variant type: single nucleotide variant.
Coding change: c.576C>T on transcript NM_001303052.2 (MANE Select); coding-DNA position 576, C replaced by T.
Protein change: p.Asp192=; no amino-acid change (aspartic acid 192 retained).
Molecular consequence: synonymous variant.
Genome position (GRCh38, 1-based): chr2:1,923,193, G>A on the plus strand (C>T on the coding strand, the complement: MYT1L is on the minus strand). VCF-style: chr2-1923193-G-A. GRCh37 (hg19) VCF-style: chr2-1926965-G-A.
Other names: c.576C>T, p.Asp192= (NM_001329844.2, NM_001329845.1, NM_001329846.3 and 6 more transcripts).
Identifiers: ClinVar variation 3035081 (VCV003035081.2), dbSNP rs370624330, ClinGen allele CA1514371.